The following is an entry in ClinVar:

ClinVar aggregate classification (germline): Uncertain significance (1 of 4 stars; one submission).

Conditions:
Inborn genetic diseases. Identifiers: MedGen C0950123, MeSH D030342.

Allele frequency attached by ClinVar (database versions not stated): gnomAD exomes 0.00001; ExAC 0.00002; gnomAD 0.00002.
gnomAD v4.1: 18 of 1,606,314 alleles (0.0011%); highest among the groups gnomAD compares: East Asian, 0.0022%; no homozygotes.

Submission:

Ambry Genetics
Classification: Uncertain significance for Inborn genetic diseases. Last evaluated: 2025-08-28. Review status: criteria provided, single submitter. Criteria: Ambry Variant Classification Scheme 2023. Collection method: clinical testing. Allele origin: germline.
Comment: The p.I870V variant (also known as c.2608A>G), located in coding exon 26 of the PIGN gene, results from an A to G substitution at nucleotide position 2608. The isoleucine at codon 870 is replaced by valine, an amino acid with highly similar properties. This amino acid position is not well conserved in available vertebrate species. In addition, this alteration is predicted to be tolerated by in silico analysis. Since supporting evidence is limited at this time, the clinical significance of this alteration remains unclear.

NM_176787.5(PIGN):c.2608A>G (p.Ile870Val)

Gene: PIGN (phosphatidylinositol glycan anchor biosynthesis class N; minus strand). Cytogenetic location: 18q21.33.
Variant type: single nucleotide variant.
Coding change: c.2608A>G on transcript NM_176787.5 (MANE Select); coding-DNA position 2608, A replaced by G.
Protein change: p.Ile870Val; replaces isoleucine 870 with valine.
Molecular consequence: missense variant.
Genome position (GRCh38, 1-based): chr18:62,074,790, T>C on the plus strand (A>G on the coding strand, the complement: PIGN is on the minus strand). VCF-style: chr18-62074790-T-C. GRCh37 (hg19) VCF-style: chr18-59742023-T-C.
Other names: c.2608A>G, p.Ile870Val (NM_012327.6); short protein forms I870V.
Identifiers: ClinVar variation 1793752 (VCV001793752.3), dbSNP rs756846755, ClinGen allele CA8981933.